The following is an entry in ClinVar:

NM_000257.4(MYH7):c.3083A>G (p.Glu1028Gly)

Gene: MYH7 (myosin heavy chain 7; minus strand). Cytogenetic location: 14q11.2.
Variant type: single nucleotide variant.
Coding change: c.3083A>G on transcript NM_000257.4 (MANE Select); coding-DNA position 3083, A replaced by G.
Protein change: p.Glu1028Gly; replaces glutamic acid 1028 with glycine.
Molecular consequence: missense variant.
Genome position (GRCh38, 1-based): chr14:23,423,563, T>C on the plus strand (A>G on the coding strand, the complement: MYH7 is on the minus strand). VCF-style: chr14-23423563-T-C. GRCh37 (hg19) VCF-style: chr14-23892772-T-C.
Other names: short protein forms E1028G.
Identifiers: ClinVar variation 42947 (VCV000042947.14), dbSNP rs397516177, ClinGen allele CA013343.

ClinVar aggregate classification (germline): Uncertain significance. Review status: criteria provided, multiple submitters, no conflicts (2 of 4 stars). 5 submissions from 5 submitters: Uncertain significance (5). Last evaluated 2024-02-13.

Conditions:
Cardiomyopathy (CMYO). Also called: Cardiomyopathies. Identifiers: Orphanet 167848, MedGen C0878544, MONDO:0004994, HP:0001638. Inheritance: Various modes of inheritance.
Hypertrophic cardiomyopathy. Also called: HYPERTROPHIC MYOCARDIOPATHY. Identifiers: Orphanet 217569, MedGen C0007194, MeSH D002312, MONDO:0005045, HP:0001639.

Allele frequency attached by ClinVar (database versions not stated): gnomAD exomes below 0.00001.
gnomAD v4.1: 2 of 1,613,812 alleles (0.00012%); highest among the groups gnomAD compares: Non-Finnish European, 0.00017%; no homozygotes.

Submissions (5):

Color Diagnostics, LLC DBA Color Health
Classification: Uncertain significance for Cardiomyopathy. Last evaluated: 2024-02-13. Review status: criteria provided, single submitter. Criteria: ACMG Guidelines, 2015. Collection method: clinical testing. Allele origin: germline.
Comment: This missense variant replaces glutamic acid with glycine at codon 1028 of the MYH7 protein. Computational prediction suggests that this variant may have deleterious impact on protein structure and function (internally defined REVEL score threshold >= 0.7, PMID: 27666373). To our knowledge, functional studies have not been reported for this variant. This variant has not been reported in individuals affected with MYH7-related disorders in the literature. This variant has not been identified in the general population by the Genome Aggregation Database (gnomAD). The available evidence is insufficient to determine the role of this variant in disease conclusively. Therefore, this variant is classified as a Variant of Uncertain Significance.

Labcorp Genetics (formerly Invitae), Labcorp
Classification: Uncertain significance for Hypertrophic cardiomyopathy. Last evaluated: 2023-11-24. Review status: criteria provided, single submitter. Criteria: Invitae Variant Classification Sherloc (09022015). Collection method: clinical testing. Allele origin: germline.
Comment: This sequence change replaces glutamic acid, which is acidic and polar, with glycine, which is neutral and non-polar, at codon 1028 of the MYH7 protein (p.Glu1028Gly). This variant is not present in population databases (gnomAD no frequency). This variant has not been reported in the literature in individuals affected with MYH7-related conditions. ClinVar contains an entry for this variant (Variation ID: 42947). Advanced modeling of protein sequence and biophysical properties (such as structural, functional, and spatial information, amino acid conservation, physicochemical variation, residue mobility, and thermodynamic stability) performed at Invitae indicates that this missense variant is expected to disrupt MYH7 protein function with a positive predictive value of 95%. In summary, the available evidence is currently insufficient to determine the role of this variant in disease. Therefore, it has been classified as a Variant of Uncertain Significance.

All of Us Research Program, National Institutes of Health
Classification: Uncertain significance for Cardiomyopathy. Last evaluated: 2023-03-04. Review status: criteria provided, single submitter. Criteria: ACMG Guidelines, 2015. Collection method: clinical testing. Allele origin: germline. Inheritance: Autosomal dominant inheritance. Observed: 1 variant allele, 1 heterozygote.
Comment: This study involves interpretation of variants in research participants for the purpose of population health screening. Participant phenotype was not available at the time of variant classification. Additional details can be found in publication PMID: 35346344, PMCID: PMC8962531

Revvity Omics, Revvity
Classification: Uncertain significance. Last evaluated: 2020-07-09. Review status: criteria provided, single submitter. Criteria: ACMG Guidelines, 2015. Collection method: clinical testing. Allele origin: germline.

Laboratory for Molecular Medicine, Mass General Brigham Personalized Medicine
Classification: Uncertain significance. Last evaluated: 2015-06-10. Review status: criteria provided, single submitter. Criteria: LMM Criteria. Collection method: clinical testing. Allele origin: germline. Observed: 2 variant alleles.
Comment: Variant classified as Uncertain Significance - Favor Pathogenic. The p.Glu1028Gl y variant in MYH7 has not been identified in any other families with cardiomyopa thy or in large population studies. This variant affects an amino acid that is c onserved in evolution and was predicted to be pathogenic using a computational t ool clinically validated by our laboratory. This tool's pathogenic prediction is estimated to be correct 94% of the time (Jordan 2011). In summary, while there is some suspicion for a pathogenic role, the clinical significance of the p.Glu1 028Gly variant is uncertain.